The following is an entry in ClinVar:

ClinVar aggregate classification (germline): Likely pathogenic (3 of 4 stars; one submission).

Conditions:
Bernard Soulier syndrome (BSS). Also called: BLEEDING DISORDER, PLATELET-TYPE, 1; PLATELET GLYCOPROTEIN Ib DEFICIENCY; VON WILLEBRAND FACTOR RECEPTOR DEFICIENCY; Platelet Glycoprotein 1b, Deficiency of; Giant platelet syndrome; Hemorrhagiparous thrombocytic dystrophy. Identifiers: Orphanet 274, MedGen C0005129, MeSH D001606, MONDO:0009276, OMIM 231200.

Submission:

ClinGen Platelet Disorders Variant Curation Expert Panel, ClinGen
Classification: Likely pathogenic for Bernard Soulier syndrome. Last evaluated: 2026-03-17. Review status: reviewed by expert panel. Criteria: ClinGen Platelet ACMG Specifications GP1BA V1.0.0. Collection method: curation. Allele origin: germline. Inheritance: Autosomal recessive inheritance.
Comment: The c.95_101del (p.Asn32ThrfsTer5) variant in GP1BA is a frameshift variant that may cause loss of function of the protein, however it is predicted to escape nonsense mediated decay and remove >10% of the protein (PVS1_Strong). At least one patient (Patient 1 in PMID: 38564005) had less than 10% expression of GPIba measured by flow cytometry, which is highly specific for Bernard-Soulier syndrome. Additionally, the patient had excessive mucocutaneous bleeding and macrothrombocytopenia (platelet count 30 × 10^9/L and 14.0 fL MPV) which are consistent with Bernard-Soulier syndrome (PP4). PM3 was not applied to this variant as it was applied to the other variant. This variant is absent from gnomAD v4.1.0 (PM2_Supporting). In summary, this variant meets the criteria to be classified as Likely Pathogenic for autosomal recessive Bernard-Soulier syndrome based on the ACMG/AMP criteria applied, as specified by the ClinGen PD VCEP: PVS1_Strong, PP4 and PM2_Supporting (VCEP specifications version 1.1).

NM_000173.7(GP1BA):c.95_101del (p.Asn32fs)

Gene: GP1BA (glycoprotein Ib platelet subunit alpha; plus strand). Cytogenetic location: 17p13.2.
Variant type: Deletion.
Coding change: c.95_101del on transcript NM_000173.7 (MANE Select); coding-DNA positions 95 to 101, 7 bases deleted (ACTGTGA; older notation c.95_101delACTGTGA).
Protein change: p.Asn32fs; shifts the reading frame from asparagine 32.
Molecular consequence: frameshift variant.
Genome position (GRCh38, 1-based): chr17:4,932,699-4,932,705, ACTGTGA deleted; deleting any 7 consecutive bases within chr17:4,932,695-4,932,705 gives the same sequence; the c. name uses the placement nearest the transcript's 3' end. VCF-style (leftmost placement, unchanged base first): chr17-4932694-AGTGAACT-A. GRCh37 (hg19) VCF-style: chr17-4835989-AGTGAACT-A.
Other names: NM_000173.7:c.95_101del; short protein forms N32fs.
Identifiers: ClinVar variation 4849259 (VCV004849259.1).
Genomic context (GRCh38, chr17:4,932,694, plus strand): 5'-GCCAAGCCCCTTACACCCCCACCCCATCTGTGAGGTCTCCAAAGTGGCCAGCCACCTAGA[AGTGAACT>A]GTGACAAGAGGAATCTGACAGCGCTGCCTCCAGACCTGCCGAAAGACACAACCATCCTCC-3'